The following is an entry in ClinVar:

ClinVar aggregate classification (germline): Uncertain significance. Review status: criteria provided, multiple submitters, no conflicts (2 of 4 stars). 2 submissions from 2 submitters: Uncertain significance (2). Last evaluated 2025-05-04.

Conditions:
Inborn genetic diseases. Identifiers: MedGen C0950123, MeSH D030342.

gnomAD v4.1: 2 of 1,613,734 alleles (0.00012%); highest among the groups gnomAD compares: African/African-American, 0.0013%; no homozygotes.

Submissions (2):

Ambry Genetics
Classification: Uncertain significance for Inborn genetic diseases. Last evaluated: 2025-05-04. Review status: criteria provided, single submitter. Criteria: Ambry Variant Classification Scheme 2023. Collection method: clinical testing. Allele origin: germline.

Labcorp Genetics (formerly Invitae), Labcorp
Classification: Uncertain significance. Last evaluated: 2024-07-31. Review status: criteria provided, single submitter. Criteria: Invitae Variant Classification Sherloc (09022015). Collection method: clinical testing. Allele origin: germline.
Comment: This sequence change replaces asparagine, which is neutral and polar, with serine, which is neutral and polar, at codon 131 of the ENPP1 protein (p.Asn131Ser). This variant is present in population databases (rs775898493, gnomAD 0.004%). This variant has not been reported in the literature in individuals affected with ENPP1-related conditions. Advanced modeling of protein sequence and biophysical properties (such as structural, functional, and spatial information, amino acid conservation, physicochemical variation, residue mobility, and thermodynamic stability) performed at Invitae indicates that this missense variant is not expected to disrupt ENPP1 protein function with a negative predictive value of 80%. In summary, the available evidence is currently insufficient to determine the role of this variant in disease. Therefore, it has been classified as a Variant of Uncertain Significance.

NM_006208.3(ENPP1):c.392A>G (p.Asn131Ser)

Gene: ENPP1 (ectonucleotide pyrophosphatase/phosphodiesterase 1; plus strand). Cytogenetic location: 6q23.2.
Variant type: single nucleotide variant.
Coding change: c.392A>G on transcript NM_006208.3 (MANE Select); coding-DNA position 392, A replaced by G.
Protein change: p.Asn131Ser; replaces asparagine 131 with serine.
Molecular consequence: missense variant.
Genome position (GRCh38, 1-based): chr6:131,850,068, A>G. VCF-style: chr6-131850068-A-G. GRCh37 (hg19) VCF-style: chr6-132171208-A-G.
Other names: c.392A>G (NM_006208.2); short protein forms N131S.
Identifiers: ClinVar variation 3613734 (VCV003613734.3).